The following is an entry in ClinVar:

ClinVar aggregate classification (germline): Likely pathogenic (0 of 4 stars; one submission).

Submission:

Genetic Services Laboratory, University of Chicago
Classification: Likely pathogenic. Last evaluated: 2022-08-23. Review status: no assertion criteria provided. Collection method: clinical testing. Allele origin: germline. Affected: yes.
Comment: DNA sequence analysis of the DZIP1L gene demonstrated a two base pair deletion in exon 10, c.1268_1269del. This sequence change results in an amino acid frameshift and creates a premature stop codon 14 amino acids downstream of the change, p.Glu423Glyfs*14. This sequence change is predicted to result in an abnormal transcript, which may be degraded, or may lead to the production of a truncated DZIP1L protein with potentially abnormal function. This deletion does not appear to have been previously described in individuals with DZIP1L-related disorders. This sequence change has been described in the gnomAD database in one individual which corresponds to an overall population frequency of 0.0004% (dbSNP rs750579270). Based on these evidences, this sequence change is classified as likely pathogenic however functional studies have not been performed to prove this conclusively.

NM_173543.3(DZIP1L):c.1268_1269del (p.Glu423fs)

Gene: DZIP1L (DAZ interacting zinc finger protein 1 like; minus strand). Cytogenetic location: 3q22.3.
Variant type: Microsatellite.
Coding change: c.1268_1269del on transcript NM_173543.3 (MANE Select); coding-DNA positions 1268 to 1269, 2 bases deleted (AG; older notation c.1268_1269delAG).
Protein change: p.Glu423fs; shifts the reading frame from glutamic acid 423.
Molecular consequence: frameshift variant.
Genome position (GRCh38, 1-based): chr3:138,080,586-138,080,587, CT deleted on the plus strand (AG on the coding strand, the reverse complement: DZIP1L is on the minus strand); deleting any 2 consecutive bases within chr3:138,080,586-138,080,589 gives the same sequence; the c. name uses the placement nearest the transcript's 3' end. VCF-style (leftmost placement, unchanged base first): chr3-138080585-CCT-C. GRCh37 (hg19) VCF-style: chr3-137799427-CCT-C.
Other names: c.1268_1269del, p.Glu423fs (NM_001170538.1); short protein forms E423fs.
Identifiers: ClinVar variation 2443117 (VCV002443117.2), dbSNP rs750579270, ClinGen allele CA2634967.
Genomic context (GRCh38, chr3:138,080,585, plus strand): 5'-TGTTTCTGCACTGGACACCCAGGAAAGAAAGTAAGGTCCCACCTTCCTCTGGAGAGTCCT[CCT>C]CTGTGTCCACAGCCTTTGGCACCTTGTGGATCCCTGAAGAGAGGAGGAACAGTTAGTGGC-3'